The following is an entry in ClinVar:

NM_005360.5(MAF):c.895C>T (p.Arg299Cys)

Gene: MAF (MAF bZIP transcription factor; minus strand). Cytogenetic location: 16q23.2.
Variant type: single nucleotide variant.
Coding change: c.895C>T on transcript NM_005360.5 (MANE Select); coding-DNA position 895, C replaced by T.
Protein change: p.Arg299Cys; replaces arginine 299 with cysteine.
Molecular consequence: missense variant.
Genome position (GRCh38, 1-based): chr16:79,599,008, G>A on the plus strand (C>T on the coding strand, the complement: MAF is on the minus strand). VCF-style: chr16-79599008-G-A. GRCh37 (hg19) VCF-style: chr16-79632905-G-A.
Other names: c.895C>T, p.Arg299Cys (NM_001031804.3); short protein forms R299C.
Identifiers: ClinVar variation 1360617 (VCV001360617.7), dbSNP rs786205221, ClinGen allele CA396535004.
Genomic context (GRCh38, chr16:79,599,008, plus strand): 5'-CCGACTCCAGGACGTGTCTCTGCTGCACCCTCTTGAAGCGGCAGGACTGGGCATAGCCGC[G>A]GTTTTTCAGGGTCCGCCTCTTCTGCTTCAGCCGGATCACCTCCTCCTTGCTGACCCCGCG-3'
Protein context (NP_005351.2, residues 289-309): LKQKRRTLKN[Arg299Cys]GYAQSCRFKR

ClinVar aggregate classification (germline): Pathogenic/Likely pathogenic. Review status: criteria provided, multiple submitters, no conflicts (2 of 4 stars). 2 submissions from 2 submitters: Pathogenic (1); Likely pathogenic (1). Last evaluated 2025-02-25.

Conditions:
Cataract 21 multiple types. Also called: Cataract, congenital, cerulean type, 4; CATARACT 21, MULTIPLE TYPES, WITH OR WITHOUT MICROCORNEA; CATARACT 21, CERULEAN, WITH OR WITHOUT MICROCORNEA; CATARACT 21, MULTIPLE TYPES, WITH MICROCORNEA. Identifiers: Orphanet 91492, MedGen C1857768, MONDO:0012437, OMIM 610202.
Ayme-Gripp syndrome. Also called: Aymé-Gripp Syndrome. Identifiers: MedGen C1832812, MONDO:0010992, OMIM 601088.

Submissions (2):

Clinical Genomics, G42 Labs
Classification: Likely pathogenic for Cataract 21 multiple types. Last evaluated: 2025-02-25. Review status: criteria provided, single submitter. Criteria: ACMG Guidelines, 2015. Collection method: clinical testing. Allele origin: germline. Inheritance: Autosomal dominant inheritance. Affected: yes. Observed: 1 variant allele.
Comment: The c.895C>T, p.(Arg299Cys) is a missense variant in the MAF gene, which results in the amino acid substitution of Cysteine for Arginine at codon 299. This variant is not present in the gnomAD database (gnomAD version 3.1.2). Multiple lines of computational evidence support a deleterious effect on the gene or gene product. The variant lies in the bZIP Maf transcription factor domain of the MAF protein (Uniprot ID: O75444). One clinical laboratory in ClinVar database has classified this variant as pathogenic (Variation ID: VCV001360617.6). A different missense p.(Arg299Ser) affecting the same codon has previously been reported among individuals with congenital cataractmicrocornea syndrome (PMID: 25064449, 17982426). Based on the above reasons, this variant is classified as Likely pathogenic. ACMG Criteria: PM2, PP3, PM1, PM5 - Likley Pathogenic

Labcorp Genetics (formerly Invitae), Labcorp
Classification: Pathogenic for Cataract 21 multiple types; Ayme-Gripp syndrome. Last evaluated: 2021-10-04. Review status: criteria provided, single submitter. Criteria: Invitae Variant Classification Sherloc (09022015). Collection method: clinical testing. Allele origin: germline.
Comment: For these reasons, this variant has been classified as Pathogenic. This variant disrupts the p.Arg299 amino acid residue in MAF. Other variant(s) that disrupt this residue have been determined to be pathogenic (PMID: 17982426, 25064449). This suggests that this residue is clinically significant, and that variants that disrupt this residue are likely to be disease-causing. Algorithms developed to predict the effect of missense changes on protein structure and function (SIFT, PolyPhen-2, Align-GVGD) all suggest that this variant is likely to be disruptive. This missense change has been observed in individual(s) with bilateral cataracts (Invitae). In at least one individual the variant was observed to be de novo. This variant is not present in population databases (ExAC no frequency). This sequence change replaces arginine with cysteine at codon 299 of the MAF protein (p.Arg299Cys). The arginine residue is highly conserved and there is a large physicochemical difference between arginine and cysteine.

Literature cited by the submitters: PubMed 25064449 (cited by Clinical Genomics, G42 Labs and Labcorp Genetics (formerly Invitae), Labcorp); PubMed 17982426 (cited by Clinical Genomics, G42 Labs and Labcorp Genetics (formerly Invitae), Labcorp).